The following is an entry in ClinVar:

NM_030957.4(ADAMTS10):c.2587C>T (p.Pro863Ser)

Gene: ADAMTS10 (ADAM metallopeptidase with thrombospondin type 1 motif 10; minus strand). Cytogenetic location: 19p13.2.
Variant type: single nucleotide variant.
Coding change: c.2587C>T on transcript NM_030957.4 (MANE Select); coding-DNA position 2587, C replaced by T.
Protein change: p.Pro863Ser; replaces proline 863 with serine.
Molecular consequence: missense variant.
Genome position (GRCh38, 1-based): chr19:8,586,195, G>A on the plus strand (C>T on the coding strand, the complement: ADAMTS10 is on the minus strand). VCF-style: chr19-8586195-G-A. GRCh37 (hg19) VCF-style: chr19-8651079-G-A.
Other names: c.1048C>T, p.Pro350Ser (NM_001282352.2); short protein forms P350S, P863S.
Identifiers: ClinVar variation 4890830 (VCV004890830.1).

ClinVar aggregate classification (germline): Uncertain significance (1 of 4 stars; one submission).

Conditions:
Weill-Marchesani syndrome 1 (WMS1). Also called: Weill-Marchesani Syndrome, Autosomal Recessive; Weill-Marchesani syndrome 1, recessive; ADAMTS10-Related Weill-Marchesani Syndrome. Identifiers: Orphanet 3449, MedGen C4552002, MONDO:0010194, OMIM 277600.

Submission:

Helix
Classification: Uncertain significance for Weill-Marchesani syndrome 1. Last evaluated: 2026-04-06. Review status: criteria provided, single submitter. Criteria: ACMG Guidelines, 2015. Collection method: clinical testing. Allele origin: germline. Inheritance: Autosomal recessive inheritance.
Comment: This variant (NM_030957.4:c.2587C>T p.Pro863Ser) results in the substitution of proline with serine at codon 863 in the ADAMTS10 protein. It is a rare variant that is absent from the large gnomAD population database (v4.1). To our knowledge, this variant has not been reported in individuals with ADAMTS10-related conditions in the published literature. In silico prediction from REVEL (PMID: 27666373) suggests that this variant may be benign. In conclusion, since the available evidence is limited, the clinical significance of this variant is unclear at this time. Therefore, it is classified as a Variant of Uncertain Significance.